The following is an entry in ClinVar:

ClinVar aggregate classification (germline): Uncertain significance (1 of 4 stars; one submission).

Conditions:
Absence seizure. Also called: Absence epilepsy. Identifiers: Orphanet 1941, MedGen C0014553.
Myoclonic epilepsy, juvenile, susceptibility to, 1. Also called: Myoclonic Epilepsy, Juvenile, 1; EJM1. Identifiers: MedGen C1850778, MONDO:0020752, OMIM 254770.

Allele frequency attached by ClinVar (database versions not stated): gnomAD exomes 0.00001.
gnomAD v4.1: 10 of 1,614,152 alleles (0.00062%); highest among the groups gnomAD compares: Middle Eastern, 0.016%; no homozygotes.

Submission:

Labcorp Genetics (formerly Invitae), Labcorp
Classification: Uncertain significance for Myoclonic epilepsy, juvenile, susceptibility to, 1; Absence seizure. Last evaluated: 2020-09-25. Review status: criteria provided, single submitter. Criteria: Invitae Variant Classification Sherloc (09022015). Collection method: clinical testing. Allele origin: germline.
Comment: In summary, the available evidence is currently insufficient to determine the role of this variant in disease. Therefore, it has been classified as a Variant of Uncertain Significance. Algorithms developed to predict the effect of sequence changes on RNA splicing suggest that this variant may create or strengthen a splice site, but this prediction has not been confirmed by published transcriptional studies. Algorithms developed to predict the effect of missense changes on protein structure and function (SIFT, PolyPhen-2, Align-GVGD) all suggest that this variant is likely to be tolerated, but these predictions have not been confirmed by published functional studies and their clinical significance is uncertain. This variant has not been reported in the literature in individuals with EFHC1-related conditions. This variant is not present in population databases (ExAC no frequency). This sequence change replaces alanine with valine at codon 69 of the EFHC1 protein (p.Ala69Val). The alanine residue is moderately conserved and there is a small physicochemical difference between alanine and valine.

NM_018100.4(EFHC1):c.206C>T (p.Ala69Val)

Gene: EFHC1 (EF-hand domain containing 1; plus strand). Cytogenetic location: 6p12.2.
Variant type: single nucleotide variant.
Coding change: c.206C>T on transcript NM_018100.4 (MANE Select); coding-DNA position 206, C replaced by T.
Protein change: p.Ala69Val; replaces alanine 69 with valine.
Molecular consequence: missense variant. On other transcripts: non-coding transcript variant (1).
Genome position (GRCh38, 1-based): chr6:52,424,088, C>T. VCF-style: chr6-52424088-C-T. GRCh37 (hg19) VCF-style: chr6-52288886-C-T.
Other names: c.149C>T, p.Ala50Val (NM_001172420.2); short protein forms A50V, A69V.
Identifiers: ClinVar variation 1014418 (VCV001014418.10), dbSNP rs1764251712, ClinGen allele CA364456653.